The following is an entry in ClinVar:

NM_001040108.2(MLH3):c.3374A>G (p.Asn1125Ser)

Gene: MLH3 (mutL homolog 3; minus strand). Cytogenetic location: 14q24.3.
Variant type: single nucleotide variant.
Coding change: c.3374A>G on transcript NM_001040108.2 (MANE Select); coding-DNA position 3374, A replaced by G.
Protein change: p.Asn1125Ser; replaces asparagine 1125 with serine.
Molecular consequence: missense variant.
Genome position (GRCh38, 1-based): chr14:75,042,384, T>C on the plus strand (A>G on the coding strand, the complement: MLH3 is on the minus strand). VCF-style: chr14-75042384-T-C. GRCh37 (hg19) VCF-style: chr14-75509087-T-C.
Other names: c.3374A>G, p.Asn1125Ser (NM_014381.3); c.3374A>G (NM_001040108.1); short protein forms N1125S.
Identifiers: ClinVar variation 1399745 (VCV001399745.11), dbSNP rs2139504673, ClinGen allele CA390431646.

ClinVar aggregate classification (germline): Uncertain significance. Review status: criteria provided, multiple submitters, no conflicts (2 of 4 stars). 2 submissions from 2 submitters: Uncertain significance (2). Last evaluated 2025-09-29.

Conditions:
Colorectal cancer, hereditary nonpolyposis, type 7. Identifiers: Orphanet 144, MedGen C1858380, MONDO:0013725, OMIM 614385.

Submissions (2):

Ambry Genetics
Classification: Uncertain significance. Last evaluated: 2025-09-29. Review status: criteria provided, single submitter. Criteria: Ambry Variant Classification Scheme 2023. Collection method: clinical testing. Allele origin: germline.
Comment: The p.N1125S variant (also known as c.3374A>G), located in coding exon 2 of the MLH3 gene, results from an A to G substitution at nucleotide position 3374. The asparagine at codon 1125 is replaced by serine, an amino acid with highly similar properties. This amino acid position is poorly conserved in available vertebrate species. In addition, this alteration is predicted to be tolerated by in silico analysis. The evidence for this gene-disease relationship is limited; therefore, the clinical significance of this alteration is unclear.

Labcorp Genetics (formerly Invitae), Labcorp
Classification: Uncertain significance for Colorectal cancer, hereditary nonpolyposis, type 7. Last evaluated: 2024-02-20. Review status: criteria provided, single submitter. Criteria: Invitae Variant Classification Sherloc (09022015). Collection method: clinical testing. Allele origin: germline.
Comment: This sequence change replaces asparagine, which is neutral and polar, with serine, which is neutral and polar, at codon 1125 of the MLH3 protein (p.Asn1125Ser). This variant is not present in population databases (gnomAD no frequency). This variant has not been reported in the literature in individuals affected with MLH3-related conditions. ClinVar contains an entry for this variant (Variation ID: 1399745). An algorithm developed to predict the effect of missense changes on protein structure and function (PolyPhen-2) suggests that this variant is likely to be tolerated. In summary, the available evidence is currently insufficient to determine the role of this variant in disease. Therefore, it has been classified as a Variant of Uncertain Significance.